The following is an entry in ClinVar:

NM_000535.7(PMS2):c.2413C>T (p.Gln805Ter)

Gene: PMS2 (PMS1 homolog 2, mismatch repair system component; minus strand). Cytogenetic location: 7p22.1.
Variant type: single nucleotide variant.
Coding change: c.2413C>T on transcript NM_000535.7 (MANE Select); coding-DNA position 2413, C replaced by T.
Protein change: p.Gln805Ter; replaces glutamine 805 with a stop codon.
Molecular consequence: nonsense. On other transcripts: non-coding transcript variant (1).
Genome position (GRCh38, 1-based): chr7:5,977,620, G>A on the plus strand (C>T on the coding strand, the complement: PMS2 is on the minus strand). VCF-style: chr7-5977620-G-A. GRCh37 (hg19) VCF-style: chr7-6017251-G-A.
Other names: c.2008C>T, p.Gln670Ter (NM_001322003.2, NM_001322004.2, NM_001322005.2); c.2257C>T, p.Gln753Ter (NM_001322006.2); c.2095C>T, p.Gln699Ter (NM_001322007.2, NM_001322008.2); c.2041C>T, p.Gln681Ter (NM_001322009.2); c.1852C>T, p.Gln618Ter (NM_001322010.2); c.1480C>T, p.Gln494Ter (NM_001322011.2, NM_001322012.2); c.1840C>T, p.Gln614Ter (NM_001322013.2); c.2446C>T, p.Gln816Ter (NM_001322014.2); and 1 more; short protein forms Q805*, Q614*, Q699*, Q816*, Q618*, Q681*, Q702*, Q494*.
Identifiers: ClinVar variation 486924 (VCV000486924.18), dbSNP rs1554293810, ClinGen allele CA366735640.

ClinVar aggregate classification (germline): Pathogenic. Review status: criteria provided, multiple submitters, no conflicts (2 of 4 stars). 3 submissions from 3 submitters: Pathogenic (3). Last evaluated 2024-07-30.

Conditions:
Hereditary nonpolyposis colorectal neoplasms. Identifiers: MedGen C0009405, MeSH D003123.
Hereditary cancer-predisposing syndrome. Also called: Tumor predisposition; Hereditary Cancer Syndrome; Hereditary neoplastic syndrome; Neoplastic Syndromes, Hereditary. Identifiers: Orphanet 140162, MedGen C0027672, MeSH D009386, MONDO:0015356.
Lynch syndrome 4 (LYNCH4). Also called: Colorectal cancer, hereditary nonpolyposis, type 4; Hereditary non-polyposis colorectal cancer, type 4. Identifiers: Orphanet 144, MedGen C1838333, MONDO:0013699, OMIM 614337. Disease mechanism: loss of function.

Submissions (3):

Ambry Genetics
Classification: Pathogenic for Hereditary cancer-predisposing syndrome. Last evaluated: 2024-07-30. Review status: criteria provided, single submitter. Criteria: Ambry Variant Classification Scheme 2023. Collection method: clinical testing. Allele origin: germline.
Comment: The p.Q805* pathogenic mutation (also known as c.2413C>T), located in coding exon 14 of the PMS2 gene, results from a C to T substitution at nucleotide position 2413. This changes the amino acid from a glutamine to a stop codon within coding exon 14. This alteration occurs at the 3' terminus of thePMS2 gene, is not expected to trigger nonsense-mediated mRNA decay, and only impacts the last 6.8% of the protein. However, premature stop codons are typically deleterious in nature and a significant portion of the protein is affected (Ambry internal data). This variant is considered to be rare based on population cohorts in the Genome Aggregation Database (gnomAD). Based on the supporting evidence, this variant is interpreted as a disease-causing mutation.

Myriad Genetics, Inc.
Classification: Pathogenic for Lynch syndrome 4. Last evaluated: 2023-09-22. Review status: criteria provided, single submitter. Criteria: Myriad Autosomal Dominant, Autosomal Recessive and X-Linked Classification Criteria (2023). Collection method: clinical testing. Allele origin: unknown.
Comment: This variant is considered pathogenic. This variant creates a termination codon and is predicted to result in premature protein truncation.

Labcorp Genetics (formerly Invitae), Labcorp
Classification: Pathogenic for Hereditary nonpolyposis colorectal neoplasms. Last evaluated: 2022-05-18. Review status: criteria provided, single submitter. Criteria: Invitae Variant Classification Sherloc (09022015). Collection method: clinical testing. Allele origin: germline.
Comment: This sequence change creates a premature translational stop signal (p.Gln805*) in the PMS2 gene. While this is not anticipated to result in nonsense mediated decay, it is expected to disrupt the last 58 amino acid(s) of the PMS2 protein. The frequency data for this variant in the population databases (gnomAD) is considered unreliable due to the presence of homologous sequence, such as pseudogenes or paralogs, in the genome. This variant has not been reported in the literature in individuals affected with PMS2-related conditions. ClinVar contains an entry for this variant (Variation ID: 486924). Algorithms developed to predict the effect of sequence changes on RNA splicing suggest that this variant may create or strengthen a splice site. This variant disrupts a region of the PMS2 protein in which other variant(s) (p.Met834Glyfs*17) have been determined to be pathogenic (PMID: 23012243, 25856668; Invitae). This suggests that this is a clinically significant region of the protein, and that variants that disrupt it are likely to be disease-causing. For these reasons, this variant has been classified as Pathogenic.

Literature cited by the submitters: PubMed 23012243 (cited by Labcorp Genetics (formerly Invitae), Labcorp); PubMed 25856668 (cited by Labcorp Genetics (formerly Invitae), Labcorp).